The following is an entry in ClinVar:

ClinVar aggregate classification (germline): Benign/Likely benign. Review status: criteria provided, multiple submitters, no conflicts (2 of 4 stars). 11 submissions from 11 submitters: Benign (9); Likely benign (1). 1 of the submissions does not count toward it. Last evaluated 2026-09-01.

Conditions:
Norman-Roberts syndrome (LIS2). Also called: Lissencephaly 2 (Norman-Roberts type). Identifiers: Orphanet 89844, MedGen C0796089, MONDO:0009760, OMIM 257320.
Familial temporal lobe epilepsy 7. Identifiers: Orphanet 101046, MedGen C4225327, MONDO:0014639, OMIM 616436.
Epilepsy, familial temporal lobe, 1. Identifiers: Orphanet 101046, MedGen CN030884, MONDO:0700090, OMIM 600512.

Allele frequency attached by ClinVar (database versions not stated): TOPMed 0.00901; ESP Exome Variant Server 0.01092; 1000 Genomes Project 30x 0.00593; gnomAD exomes 0.01074 and 0.01449; 1000 Genomes Project 0.00599; gnomAD 0.01065 and 0.01060; ExAC 0.01081.
gnomAD v4.1: 22,506 of 1,611,790 alleles (1.4%); highest among the groups gnomAD compares: Non-Finnish European, 1.6%; 208 homozygotes.

Submissions (11):

CeGaT Center for Human Genetics Tuebingen
Classification: Benign. Last evaluated: 2026-09-01. Review status: criteria provided, single submitter. Criteria: CeGaT Center For Human Genetics Tuebingen Variant Classification Criteria Version 2. Collection method: clinical testing. Allele origin: germline. Affected: yes. Observed: 29 variant alleles.
Comment: RELN: BS1, BS2

Labcorp Genetics (formerly Invitae), Labcorp
Classification: Benign for Familial temporal lobe epilepsy 7; Norman-Roberts syndrome. Last evaluated: 2026-02-03. Review status: criteria provided, single submitter. Criteria: Invitae Variant Classification Sherloc (09022015). Collection method: clinical testing. Allele origin: germline.

Fulgent Genetics
Classification: Likely benign for Norman-Roberts syndrome; Epilepsy, familial temporal lobe, 1; Familial temporal lobe epilepsy 7. Last evaluated: 2021-10-29. Review status: criteria provided, single submitter. Criteria: ACMG Guidelines, 2015. Collection method: clinical testing. Allele origin: unknown.

Mayo Clinic Laboratories, Mayo Clinic
Classification: Benign. Last evaluated: 2019-01-31. Review status: criteria provided, single submitter. Criteria: ACMG Guidelines, 2015. Collection method: clinical testing. Allele origin: germline. Observed: 17 variant alleles.

Illumina Laboratory Services, Illumina
Classification: Benign for Norman-Roberts syndrome. Last evaluated: 2018-01-12. Review status: criteria provided, single submitter. Criteria: ICSL Variant Classification Criteria 13 December 2019. Collection method: clinical testing. Allele origin: germline.
Comment: This variant was observed in the ICSL laboratory as part of a predisposition screen in an ostensibly healthy population. It had not been previously curated by ICSL or reported in the Human Gene Mutation Database (HGMD: prior to June 1st, 2018), and was therefore a candidate for classification through an automated scoring system. Utilizing variant allele frequency, disease prevalence and penetrance estimates, and inheritance mode, an automated score was calculated to assess if this variant is too frequent to cause the disease. Based on the score and internal cut-off values, a variant classified as benign is not then subjected to further curation. The score for this variant resulted in a classification of benign for this disease.

Athena Diagnostics
Classification: Benign. Last evaluated: 2017-10-31. Review status: criteria provided, single submitter. Criteria: Athena Diagnostics Criteria. Collection method: clinical testing. Allele origin: germline.

GeneDx
Classification: Benign. Last evaluated: 2014-04-15. Review status: criteria provided, single submitter. Criteria: GeneDx Variant Classification (06012015). Collection method: clinical testing. Allele origin: germline. Affected: yes.
Comment: This variant is considered likely benign or benign based on one or more of the following criteria: it is a conservative change, it occurs at a poorly conserved position in the protein, it is predicted to be benign by multiple in silico algorithms, and/or has population frequency not consistent with disease.

Eurofins Ntd Llc (ga)
Classification: Benign. Last evaluated: 2013-08-06. Review status: criteria provided, single submitter. Criteria: EGL Classification Definitions 2015. Collection method: clinical testing. Allele origin: germline. Observed: 2 variant alleles, 2 heterozygotes.

Breakthrough Genomics
Classification: Benign. Review status: criteria provided, single submitter. Criteria: ACMG Guidelines, 2015. Collection method: not provided. Allele origin: germline. Inheritance: Autosomal recessive inheritance. Affected: yes.

PreventionGenetics, part of Exact Sciences
Classification: Benign. Review status: criteria provided, single submitter. Criteria: ACMG Guidelines, 2015. Collection method: clinical testing. Allele origin: germline.

Genetic Services Laboratory, University of Chicago
Classification: Likely benign for AllHighlyPenetrant. Review status: no assertion criteria provided. Collection method: clinical testing. Allele origin: germline. Inheritance: Autosomal recessive inheritance. Not counted in ClinVar's aggregate classification.
Comment: Likely benign based on allele frequency in 1000 Genomes Project or ESP global frequency and its presence in a patient with a rare or unrelated disease phenotype. NOT Sanger confirmed.

NM_005045.4(RELN):c.1799C>T (p.Ser600Phe)

Gene: RELN (reelin; minus strand). Cytogenetic location: 7q22.1.
Variant type: single nucleotide variant.
Coding change: c.1799C>T on transcript NM_005045.4 (MANE Select); coding-DNA position 1799, C replaced by T.
Protein change: p.Ser600Phe; replaces serine 600 with phenylalanine.
Molecular consequence: missense variant.
Genome position (GRCh38, 1-based): chr7:103,651,754, G>A on the plus strand (C>T on the coding strand, the complement: RELN is on the minus strand). VCF-style: chr7-103651754-G-A. GRCh37 (hg19) VCF-style: chr7-103292201-G-A.
Other names: p.S600F:TCC>TTC; c.1799C>T, p.Ser600Phe (NM_173054.3); short protein forms S600F.
Identifiers: ClinVar variation 95213 (VCV000095213.34), dbSNP rs78008536, ClinGen allele CA148339.